The following is an entry in ClinVar:

NM_003816.3(ADAM9):c.394G>A (p.Asp132Asn)

Gene: ADAM9 (ADAM metallopeptidase domain 9; plus strand). Cytogenetic location: 8p11.22.
Variant type: single nucleotide variant.
Coding change: c.394G>A on transcript NM_003816.3 (MANE Select); coding-DNA position 394, G replaced by A.
Protein change: p.Asp132Asn; replaces aspartic acid 132 with asparagine.
Molecular consequence: missense variant. On other transcripts: non-coding transcript variant (3).
Genome position (GRCh38, 1-based): chr8:39,016,178, G>A. VCF-style: chr8-39016178-G-A. GRCh37 (hg19) VCF-style: chr8-38873697-G-A.
Other names: short protein forms D132N.
Identifiers: ClinVar variation 965062 (VCV000965062.4), dbSNP rs761792735, ClinGen allele CA4721328.

ClinVar aggregate classification (germline): Uncertain significance (1 of 4 stars; one submission).

Allele frequency attached by ClinVar (database versions not stated): ExAC 0.00001.

Submission:

Labcorp Genetics (formerly Invitae), Labcorp
Classification: Uncertain significance. Last evaluated: 2022-02-03. Review status: criteria provided, single submitter. Criteria: Invitae Variant Classification Sherloc (09022015). Collection method: clinical testing. Allele origin: germline.
Comment: This sequence change replaces aspartic acid, which is acidic and polar, with asparagine, which is neutral and polar, at codon 132 of the ADAM9 protein (p.Asp132Asn). This variant is present in population databases (rs761792735, gnomAD 0.004%). This variant has not been reported in the literature in individuals affected with ADAM9-related conditions. ClinVar contains an entry for this variant (Variation ID: 965062). Algorithms developed to predict the effect of missense changes on protein structure and function output the following: SIFT: "Tolerated"; PolyPhen-2: "Benign"; Align-GVGD: "Class C0". The asparagine amino acid residue is found in multiple mammalian species, which suggests that this missense change does not adversely affect protein function. In summary, the available evidence is currently insufficient to determine the role of this variant in disease. Therefore, it has been classified as a Variant of Uncertain Significance.